The following is an entry in ClinVar:

ClinVar aggregate classification (germline): Uncertain significance (1 of 4 stars; one submission).

Submission:

Labcorp Genetics (formerly Invitae), Labcorp
Classification: Uncertain significance. Last evaluated: 2022-02-08. Review status: criteria provided, single submitter. Criteria: Invitae Variant Classification Sherloc (09022015). Collection method: clinical testing. Allele origin: germline.
Comment: This sequence change replaces serine, which is neutral and polar, with leucine, which is neutral and non-polar, at codon 140 of the RCBTB1 protein (p.Ser140Leu). This variant is not present in population databases (gnomAD no frequency). In summary, the available evidence is currently insufficient to determine the role of this variant in disease. Therefore, it has been classified as a Variant of Uncertain Significance. This variant has not been reported in the literature in individuals affected with RCBTB1-related conditions. ClinVar contains an entry for this variant (Variation ID: 939435). Algorithms developed to predict the effect of missense changes on protein structure and function are either unavailable or do not agree on the potential impact of this missense change (SIFT: "Deleterious"; PolyPhen-2: "Possibly Damaging"; Align-GVGD: "Class C0").

NM_018191.4(RCBTB1):c.419C>T (p.Ser140Leu)

Gene: RCBTB1 (RCC1 and BTB domain containing protein 1; minus strand). Cytogenetic location: 13q14.2.
Variant type: single nucleotide variant.
Coding change: c.419C>T on transcript NM_018191.4 (MANE Select); coding-DNA position 419, C replaced by T.
Protein change: p.Ser140Leu; replaces serine 140 with leucine.
Molecular consequence: missense variant. On other transcripts: 5 prime UTR variant (1), non-coding transcript variant (2).
Genome position (GRCh38, 1-based): chr13:49,559,943, G>A on the plus strand (C>T on the coding strand, the complement: RCBTB1 is on the minus strand). VCF-style: chr13-49559943-G-A. GRCh37 (hg19) VCF-style: chr13-50134079-G-A.
Other names: c.419C>T, p.Ser140Leu (NM_001352500.2, NM_001352501.2, NM_001352502.2 and 3 more transcripts); c.-191C>T (NM_001352506.2); short protein forms S140L.
Identifiers: ClinVar variation 939435 (VCV000939435.9), dbSNP rs1962297042, ClinGen allele CA388192081.
Genomic context (GRCh38, chr13:49,559,943, plus strand): 5'-AAAAAAAGAATAAAGAATAAAAGCAGCATACTTACCTCTCCATCAGCTGCCAGAGCCATT[G>A]AATGATGTGAGCCACAAGCTACTTCCACCACTTGCTTGATCAAGAGATTGGTACAGACCT-3'
Protein context (NP_060661.3, residues 130-150): VVEVACGSHH[Ser140Leu]MALAADGEVF